The following is an entry in ClinVar:

ClinVar aggregate classification (germline): Uncertain significance (1 of 4 stars; one submission).

Submission:

Labcorp Genetics (formerly Invitae), Labcorp
Classification: Uncertain significance. Last evaluated: 2021-03-25. Review status: criteria provided, single submitter. Criteria: Invitae Variant Classification Sherloc (09022015). Collection method: clinical testing. Allele origin: germline.
Comment: In summary, the available evidence is currently insufficient to determine the role of this variant in disease. Therefore, it has been classified as a Variant of Uncertain Significance. Experimental studies and prediction algorithms are not available or were not evaluated, and the functional significance of this variant is currently unknown. This variant has not been reported in the literature in individuals with PAFAH1B1-related conditions. This variant is not present in population databases (ExAC no frequency). This sequence change creates a premature translational stop signal (p.Trp407*) in the PAFAH1B1 gene. While this is not anticipated to result in nonsense mediated decay, it is expected to disrupt the last 4 amino acid(s) of the PAFAH1B1 protein.

NM_000430.4(PAFAH1B1):c.1221G>A (p.Trp407Ter)

Gene: PAFAH1B1 (platelet activating factor acetylhydrolase 1b regulatory subunit 1; plus strand). Cytogenetic location: 17p13.3.
Variant type: single nucleotide variant.
Coding change: c.1221G>A on transcript NM_000430.4 (MANE Select); coding-DNA position 1221, G replaced by A.
Protein change: p.Trp407Ter; replaces tryptophan 407 with a stop codon.
Molecular consequence: nonsense.
Genome position (GRCh38, 1-based): chr17:2,681,790, G>A. VCF-style: chr17-2681790-G-A. GRCh37 (hg19) VCF-style: chr17-2585084-G-A.
Other names: short protein forms W407*.
Identifiers: ClinVar variation 1437169 (VCV001437169.6), dbSNP rs2151675439, ClinGen allele CA397643168.
Genomic context (GRCh38, chr17:2,681,790, plus strand): 5'-TTTCCACAAGACGGCACCCTATGTCGTCACTGGCAGCGTAGATCAAACAGTAAAAGTGTG[G>A]GAGTGCCGTTGATTGTGTCTCCTTCGGCCCCTCCTCCCTCTTTTCCTCTGGATGCACTCT-3'